The following is an entry in ClinVar:

ClinVar aggregate classification (germline): Uncertain significance (1 of 4 stars; one submission).

Submission:

Labcorp Genetics (formerly Invitae), Labcorp
Classification: Uncertain significance. Last evaluated: 2022-09-27. Review status: criteria provided, single submitter. Criteria: Invitae Variant Classification Sherloc (09022015). Collection method: clinical testing. Allele origin: germline.
Comment: In summary, the available evidence is currently insufficient to determine the role of this variant in disease. Therefore, it has been classified as a Variant of Uncertain Significance. Algorithms developed to predict the effect of missense changes on protein structure and function (SIFT, PolyPhen-2, Align-GVGD) all suggest that this variant is likely to be tolerated. This variant has not been reported in the literature in individuals affected with CERKL-related conditions. This variant is not present in population databases (gnomAD no frequency). This sequence change replaces isoleucine, which is neutral and non-polar, with phenylalanine, which is neutral and non-polar, at codon 46 of the CERKL protein (p.Ile46Phe).

NM_201548.5(CERKL):c.136A>T (p.Ile46Phe)

Gene: CERKL (CERK like autophagy regulator; minus strand). Cytogenetic location: 2q31.3.
Variant type: single nucleotide variant.
Coding change: c.136A>T on transcript NM_201548.5 (MANE Select); coding-DNA position 136, A replaced by T.
Protein change: p.Ile46Phe; replaces isoleucine 46 with phenylalanine.
Molecular consequence: missense variant. On other transcripts: non-coding transcript variant (2).
Genome position (GRCh38, 1-based): chr2:181,656,871, T>A on the plus strand (A>T on the coding strand, the complement: CERKL is on the minus strand). VCF-style: chr2-181656871-T-A. GRCh37 (hg19) VCF-style: chr2-182521598-T-A.
Other names: c.136A>T, p.Ile46Phe (NM_001030311.3, NM_001030312.3, NM_001030313.3 and 3 more transcripts); short protein forms I46F.
Identifiers: ClinVar variation 2102403 (VCV002102403.4), dbSNP rs2468582157, ClinGen allele CA349744616.